The following is an entry in ClinVar:

ClinVar aggregate classification (germline): Uncertain significance. Review status: criteria provided, multiple submitters, no conflicts (2 of 4 stars). 2 submissions from 2 submitters: Uncertain significance (2). Last evaluated 2024-11-03.

Conditions:
Familial melanoma. Also called: Hereditary melanoma; Hereditary cutaneous melanoma. Identifiers: Orphanet 618, MedGen C1512419, MONDO:0018961.
Hereditary cancer-predisposing syndrome. Also called: Tumor predisposition; Hereditary Cancer Syndrome; Neoplastic Syndromes, Hereditary; Hereditary neoplastic syndrome. Identifiers: Orphanet 140162, MedGen C0027672, MeSH D009386, MONDO:0015356.

Allele frequency attached by ClinVar (database versions not stated): gnomAD exomes below 0.00001; ExAC 0.00001.

Submissions (2):

Labcorp Genetics (formerly Invitae), Labcorp
Classification: Uncertain significance for Familial melanoma. Last evaluated: 2024-11-03. Review status: criteria provided, single submitter. Criteria: Invitae Variant Classification Sherloc (09022015). Collection method: clinical testing. Allele origin: germline.
Comment: This sequence change replaces histidine, which is basic and polar, with tyrosine, which is neutral and polar, at codon 30 of the CDK4 protein (p.His30Tyr). This variant is present in population databases (rs750707985, gnomAD 0.003%). This variant has not been reported in the literature in individuals affected with CDK4-related conditions. ClinVar contains an entry for this variant (Variation ID: 822805). Invitae Evidence Modeling of protein sequence and biophysical properties (such as structural, functional, and spatial information, amino acid conservation, physicochemical variation, residue mobility, and thermodynamic stability) indicates that this missense variant is not expected to disrupt CDK4 protein function with a negative predictive value of 95%. In summary, the available evidence is currently insufficient to determine the role of this variant in disease. Therefore, it has been classified as a Variant of Uncertain Significance.

Ambry Genetics
Classification: Uncertain significance for Hereditary cancer-predisposing syndrome. Last evaluated: 2021-05-03. Review status: criteria provided, single submitter. Criteria: Ambry Variant Classification Scheme 2023. Collection method: clinical testing. Allele origin: germline.
Comment: The p.H30Y variant (also known as c.88C>T), located in coding exon 1 of the CDK4 gene, results from a C to T substitution at nucleotide position 88. The histidine at codon 30 is replaced by tyrosine, an amino acid with similar properties. This amino acid position is not well conserved in available vertebrate species. In addition, this alteration is predicted to be tolerated by in silico analysis. Since supporting evidence is limited at this time, the clinical significance of this alteration remains unclear.

NM_000075.4(CDK4):c.88C>T (p.His30Tyr)

Gene: CDK4 (cyclin dependent kinase 4; minus strand). Cytogenetic location: 12q14.1.
Variant type: single nucleotide variant.
Coding change: c.88C>T on transcript NM_000075.4 (MANE Select); coding-DNA position 88, C replaced by T.
Protein change: p.His30Tyr; replaces histidine 30 with tyrosine.
Molecular consequence: missense variant.
Genome position (GRCh38, 1-based): chr12:57,751,630, G>A on the plus strand (C>T on the coding strand, the complement: CDK4 is on the minus strand). VCF-style: chr12-57751630-G-A. GRCh37 (hg19) VCF-style: chr12-58145413-G-A.
Other names: short protein forms H30Y.
Identifiers: ClinVar variation 822805 (VCV000822805.13), dbSNP rs750707985, ClinGen allele CA6657886.